The following is an entry in ClinVar:

NM_001018115.3(FANCD2):c.2487C>G (p.Tyr829Ter)

Genes: FANCD2 (FA complementation group D2; plus strand), LOC107303338 (3p25 FANCD2 Alu-mediated recombination region; plus strand). Cytogenetic location: 3p25.3.
Variant type: single nucleotide variant.
Coding change: c.2487C>G on transcript NM_001018115.3 (MANE Select); coding-DNA position 2487, C replaced by G.
Protein change: p.Tyr829Ter; replaces tyrosine 829 with a stop codon.
Molecular consequence: nonsense.
Genome position (GRCh38, 1-based): chr3:10,067,310, C>G. VCF-style: chr3-10067310-C-G. GRCh37 (hg19) VCF-style: chr3-10108994-C-G.
Other names: c.2487C>G (NM_033084.4); c.2487C>G, p.Tyr829Ter (NM_001319984.2, NM_001374254.1, NM_033084.6); c.2376C>G, p.Tyr792Ter (NM_001374253.1); short protein forms Y829*, Y792*.
Identifiers: ClinVar variation 526371 (VCV000526371.13), dbSNP rs1289665675, ClinGen allele CA351738612.

ClinVar aggregate classification (germline): Pathogenic/Likely pathogenic. Review status: criteria provided, multiple submitters, no conflicts (2 of 4 stars). 5 submissions from 5 submitters: Pathogenic (2); Likely pathogenic (3). Last evaluated 2024-05-17.

Conditions:
Fanconi anemia complementation group D2. Also called: FANCD2-Related Fanconi Anemia; FANCONI PANCYTOPENIA, TYPE 4; FANCONI ANEMIA, COMPLEMENTATION GROUP D. Identifiers: Orphanet 84, MedGen C3160738, MONDO:0009214, OMIM 227646.
FANCD2-related disorders.
Fanconi anemia (FA). Also called: Fanconi's anemia. Identifiers: Orphanet 84, MedGen C0015625, MeSH D005199, MONDO:0019391.

Allele frequency attached by ClinVar (database versions not stated): gnomAD exomes below 0.00001.
gnomAD v4.1: 5 of 1,604,072 alleles (0.00031%); highest among the groups gnomAD compares: Non-Finnish European, 0.00043%; no homozygotes.

Submissions (5):

Fulgent Genetics
Classification: Likely pathogenic for Fanconi anemia complementation group D2. Last evaluated: 2024-05-17. Review status: criteria provided, single submitter. Criteria: ACMG Guidelines, 2015. Collection method: clinical testing. Allele origin: germline.

Labcorp Genetics (formerly Invitae), Labcorp
Classification: Pathogenic for Fanconi anemia. Last evaluated: 2024-03-01. Review status: criteria provided, single submitter. Criteria: Invitae Variant Classification Sherloc (09022015). Collection method: clinical testing. Allele origin: germline.
Comment: This sequence change creates a premature translational stop signal (p.Tyr829*) in the FANCD2 gene. It is expected to result in an absent or disrupted protein product. Loss-of-function variants in FANCD2 are known to be pathogenic (PMID: 17436244). This variant is present in population databases (no rsID available, gnomAD 0.0009%). This variant has not been reported in the literature in individuals affected with FANCD2-related conditions. ClinVar contains an entry for this variant (Variation ID: 526371). Algorithms developed to predict the effect of sequence changes on RNA splicing suggest that this variant may disrupt the consensus splice site. For these reasons, this variant has been classified as Pathogenic.

Blueprint Genetics
Classification: Likely pathogenic for FANCD2-related disorders. Last evaluated: 2023-07-14. Review status: criteria provided, single submitter. Criteria: ACMG Guidelines, 2015. Collection method: clinical testing. Allele origin: germline. Affected: yes. Observed: 1 variant allele.

Revvity Omics, Revvity
Classification: Pathogenic for Fanconi anemia complementation group D2. Last evaluated: 2019-06-10. Review status: criteria provided, single submitter. Criteria: ACMG Guidelines, 2015. Collection method: clinical testing. Allele origin: germline.

GeneDx
Classification: Likely pathogenic. Last evaluated: 2018-05-25. Review status: criteria provided, single submitter. Criteria: GeneDx Variant Classification (06012015). Collection method: clinical testing. Allele origin: germline. Affected: yes.
Comment: The Y829X variant in the FANCD2 gene has not been reported previously as a pathogenic variant nor as a benign variant, to our knowledge. This variant is predicted to cause loss of normal protein function either through protein truncation or nonsense-mediated mRNA decay. The Y829X variant is not observed at a significant frequency in large population cohorts (Lek et al., 2016). We interpret Y829X as a likely pathogenic variant.

Literature cited by the submitters: PubMed 17436244 (cited by Labcorp Genetics (formerly Invitae), Labcorp).